The following is an entry in ClinVar:

ClinVar aggregate classification (germline): Pathogenic. Review status: criteria provided, multiple submitters, no conflicts (2 of 4 stars). 4 submissions from 4 submitters: Pathogenic (4). Last evaluated 2025-04-01.

Conditions:
Polycystic kidney disease, adult type (PKD1). Also called: POLYCYSTIC KIDNEY DISEASE, ADULT, TYPE I; Polycystic Kidney, Autosomal Dominant; Polycystic Kidney Disease 1, Autosomal Dominant; Polycystic kidney disease 1; Polycystic kidney disease 1, severe; POLYCYSTIC KIDNEY DISEASE 1 WITH OR WITHOUT POLYCYSTIC LIVER DISEASE. Identifiers: MedGen C3149841, MONDO:0008263, OMIM 173900.
PKD1-related disorder. Also called: PKD1-related condition.

Allele frequency attached by ClinVar (database versions not stated): gnomAD exomes below 0.00001; gnomAD 0.00003.
gnomAD v4.1: 1 of 1,610,386 alleles (0.000062%); highest among the groups gnomAD compares: Non-Finnish European, 0.000085%; no homozygotes.

Submissions (4):

3billion
Classification: Pathogenic for Polycystic kidney disease, adult type. Last evaluated: 2025-04-01. Review status: criteria provided, single submitter. Criteria: ACMG Guidelines, 2015. Collection method: clinical testing. Allele origin: germline. Affected: yes.
Comment: The variant is observed at an extremely low frequency in the gnomAD v4.1.0 dataset (total allele frequency: <0.001%). Predicted Consequence/Location: Stop-gained (nonsense): predicted to result in a loss or disruption of normal protein function through nonsense-mediated decay (NMD) or protein truncation. Multiple pathogenic variants are reported downstream of the variant. The variant has been reported at least twice as pathogenic with clinical assertions and evidence for the classification (ClinVar ID: VCV000636605 / PMID: 21115670). Therefore, this variant is classified as Pathogenic according to the recommendation of ACMG/AMP guideline.

Blueprint Genetics
Classification: Pathogenic for PKD1-related disorders. Last evaluated: 2024-05-07. Review status: criteria provided, single submitter. Criteria: ACMG Guidelines, 2015. Collection method: clinical testing. Allele origin: germline. Affected: yes. Observed: 5 variant alleles.

Fulgent Genetics
Classification: Pathogenic for Polycystic kidney disease, adult type. Last evaluated: 2021-06-30. Review status: criteria provided, single submitter. Criteria: ACMG Guidelines, 2015. Collection method: clinical testing. Allele origin: unknown.
Comment: This variant has been detected in individual(s) who were sent for testing of Renasight - kidney gene panel.

Juno Genomics, Hangzhou Juno Genomics, Inc
Classification: Pathogenic for Polycystic kidney disease, adult type. Review status: criteria provided, single submitter. Criteria: ACMG Guidelines, 2015. Collection method: clinical testing. Allele origin: germline. Affected: yes.
Comment: Null variant in a gene where loss of function (LOF) is a known mechanism of disease.;The prevalence of the variant in affected individuals is significantly increased compared to the prevalence in controls.;Absent from controls (or at extremely low frequency if recessive) in Genome Aggregation Database, Exome Sequencing Project, 1000 Genomes Project, or Exome Aggregation Consortium.

Literature cited by the submitters: PubMed 21115670 (cited by 3billion).

NM_001009944.3(PKD1):c.4447C>T (p.Gln1483Ter)

Gene: PKD1 (polycystin 1, transient receptor potential channel interacting; minus strand). Cytogenetic location: 16p13.3.
Variant type: single nucleotide variant.
Coding change: c.4447C>T on transcript NM_001009944.3 (MANE Select); coding-DNA position 4447, C replaced by T.
Protein change: p.Gln1483Ter; replaces glutamine 1483 with a stop codon.
Molecular consequence: nonsense.
Genome position (GRCh38, 1-based): chr16:2,110,720, G>A on the plus strand (C>T on the coding strand, the complement: PKD1 is on the minus strand). VCF-style: chr16-2110720-G-A. GRCh37 (hg19) VCF-style: chr16-2160721-G-A.
Other names: c.4447C>T, p.Gln1483Ter (NM_000296.4); short protein forms Q1483*.
Identifiers: ClinVar variation 636605 (VCV000636605.7), dbSNP rs1567200098, ClinGen allele CA394380322.